The following is an entry in ClinVar:

ClinVar aggregate classification (germline): Likely benign (1 of 4 stars; one submission).

Submission:

CeGaT Center for Human Genetics Tuebingen
Classification: Likely benign. Last evaluated: 2023-01-01. Review status: criteria provided, single submitter. Criteria: CeGaT Center For Human Genetics Tuebingen Variant Classification Criteria Version 2. Collection method: clinical testing. Allele origin: germline. Affected: yes. Observed: 1 variant allele.
Comment: FOXP1: BS1

NM_001349338.3(FOXP1):c.*1669dup

Gene: FOXP1 (forkhead box P1; minus strand). Cytogenetic location: 3p13.
Variant type: Duplication.
Coding change: c.*1669dup on transcript NM_001349338.3 (MANE Select); 1669 bases downstream of the stop codon, one base duplicated (T; older notation c.*1669dupT).
Molecular consequence: 3 prime UTR variant. On other transcripts: non-coding transcript variant (2).
Genome position (GRCh38, 1-based): chr3:70,957,578, A duplicated on the plus strand (T on the coding strand, the reverse complement: FOXP1 is on the minus strand); the first of 8 consecutive A bases (chr3:70,957,578-70,957,585); duplicating any one gives the same sequence. VCF-style (leftmost placement, unchanged base first): chr3-70957577-T-TA. GRCh37 (hg19) VCF-style: chr3-71006728-T-TA.
Other names: c.*1669dup (NM_001244808.3, NM_001244810.2, NM_001244812.3 and 12 more transcripts).
Identifiers: ClinVar variation 346597 (VCV000346597.33), dbSNP rs886058842, ClinGen allele CA10619508.